The following is an entry in ClinVar:

ClinVar aggregate classification (germline): Uncertain significance. Review status: criteria provided, multiple submitters, no conflicts (2 of 4 stars). 2 submissions from 2 submitters: Uncertain significance (2). Last evaluated 2025-08-07.

gnomAD v4.1: 199 of 1,613,970 alleles (0.012%); highest among the groups gnomAD compares: South Asian, 0.048%; 3 homozygotes.

Submissions (2):

Ambry Genetics
Classification: Uncertain significance. Last evaluated: 2025-08-07. Review status: criteria provided, single submitter. Criteria: Ambry Variant Classification Scheme 2023. Collection method: clinical testing. Allele origin: germline.

Labcorp Genetics (formerly Invitae), Labcorp
Classification: Uncertain significance. Last evaluated: 2024-12-09. Review status: criteria provided, single submitter. Criteria: Invitae Variant Classification Sherloc (09022015). Collection method: clinical testing. Allele origin: germline.
Comment: This sequence change replaces alanine, which is neutral and non-polar, with proline, which is neutral and non-polar, at codon 231 of the SHPK protein (p.Ala231Pro). This variant is present in population databases (rs138467771, gnomAD 0.08%), and has an allele count higher than expected for a pathogenic variant. This variant has not been reported in the literature in individuals affected with SHPK-related conditions. ClinVar contains an entry for this variant (Variation ID: 2160585). An algorithm developed to predict the effect of missense changes on protein structure and function (PolyPhen-2) suggests that this variant is likely to be tolerated. In summary, the available evidence is currently insufficient to determine the role of this variant in disease. Therefore, it has been classified as a Variant of Uncertain Significance.

NM_013276.4(SHPK):c.691G>C (p.Ala231Pro)

Gene: SHPK (sedoheptulokinase; minus strand). Cytogenetic location: 17p13.2.
Variant type: single nucleotide variant.
Coding change: c.691G>C on transcript NM_013276.4 (MANE Select); coding-DNA position 691, G replaced by C.
Protein change: p.Ala231Pro; replaces alanine 231 with proline.
Molecular consequence: missense variant.
Genome position (GRCh38, 1-based): chr17:3,621,369, C>G on the plus strand (G>C on the coding strand, the complement: SHPK is on the minus strand). VCF-style: chr17-3621369-C-G. GRCh37 (hg19) VCF-style: chr17-3524663-C-G.
Other names: c.691G>C (NM_013276.2); short protein forms A231P.
Identifiers: ClinVar variation 2160585 (VCV002160585.5), dbSNP rs138467771, ClinGen allele CA8291235.